The following is an entry in ClinVar:

NM_000540.3(RYR1):c.8846C>T (p.Ser2949Phe)

Gene: RYR1 (ryanodine receptor 1; plus strand). Cytogenetic location: 19q13.2.
Variant type: single nucleotide variant.
Coding change: c.8846C>T on transcript NM_000540.3 (MANE Select); coding-DNA position 8846, C replaced by T.
Protein change: p.Ser2949Phe; replaces serine 2949 with phenylalanine.
Molecular consequence: missense variant.
Genome position (GRCh38, 1-based): chr19:38,507,741, C>T. VCF-style: chr19-38507741-C-T. GRCh37 (hg19) VCF-style: chr19-38998381-C-T.
Other names: c.8846C>T, p.Ser2949Phe (NM_001042723.2); short protein forms S2949F.
Identifiers: ClinVar variation 3073089 (VCV003073089.2), dbSNP rs1320450532, ClinGen allele CA405681795.

ClinVar aggregate classification (germline): Uncertain significance (1 of 4 stars; one submission).

Conditions:
Malignant hyperthermia, susceptibility to, 1 (MHS1). Also called: Anesthesia related hyperthermia; Malignant hyperpyrexia; Fulminating hyperpyrexia; Pharmacogenic myopathy; RYR1-Related Malignant Hyperthermia Susceptibility; Malignant hyperthermia suceptibility 1. Identifiers: Orphanet 423, MedGen C2930980, MONDO:0007783, OMIM 145600.

gnomAD v4.1: 2 of 1,613,438 alleles (0.00012%); no homozygotes.

Submission:

All of Us Research Program, National Institutes of Health
Classification: Uncertain significance for Malignant hyperthermia, susceptibility to, 1. Last evaluated: 2024-06-11. Review status: criteria provided, single submitter. Criteria: ACMG Guidelines, 2015. Collection method: clinical testing. Allele origin: germline. Inheritance: Autosomal dominant inheritance. Observed: 2 variant alleles, 2 heterozygotes.
Comment: This study involves interpretation of variants in research participants for the purpose of population health screening. Participant phenotype was not available at the time of variant classification. Additional details can be found in publication PMID: 35346344, PMCID: PMC8962531